The following continues an entry in ClinVar:

NM_004972.4(JAK2):c.1849G>T (p.Val617Phe)

ClinVar aggregate classification (germline): Pathogenic/Likely pathogenic. Pathogenic (15); Likely pathogenic (4). ClinVar aggregate classification (oncogenicity): Likely oncogenic.

Submissions 12 to 33 of 33:

Genetic Services Laboratory, University of Chicago
Classification: Likely pathogenic. Last evaluated: 2023-12-06. Review status: criteria provided, single submitter. Criteria: ACMG Guidelines, 2015. Collection method: clinical testing. Allele origin: germline. Affected: yes.
Comment: DNA sequence analysis of the JAK2 gene demonstrated a sequence change, c.1849G>T, in exon 14 that results in an amino acid change, p.Val617Phe. The p.Val617Phe change affects a highly conserved amino acid residue located in a domain of the JAK2 protein that is known to be functional. The p.Val617Phe substitution appears to be deleterious/possibly damaging using several in-silico pathogenicity prediction tools (SIFT, PolyPhen2, Align GVGD, REVEL). This sequence change has been described in the literature in other individuals with JAK2-related disorders in both the germline and somatic state (PMID: 26556299, 31721094, 23535062). In addition, a different pathogenic sequence change affecting the same amino acid residue (p.Val167Ile) has been described in several individuals with JAK2-related hereditary thrombocytosis (PMID: 22397670, 23535062). This sequence change has been described in the gnomAD database with a frequency of 0.075% in the Ashkenazi Jewish subpopulation (dbSNP rs77375493). Collectively, this evidence indicates that this sequence change is likely pathogenic; however, functional studies have not been performed to prove this conclusively.

Institute of Human Genetics, University of Leipzig Medical Center
Classification: Pathogenic for Primary myelofibrosis. Last evaluated: 2022-11-24. Review status: criteria provided, single submitter. Criteria: ACMG Guidelines, 2015. Collection method: clinical testing. Allele origin: somatic. Affected: yes.
Comment: _x000D_ Criteria applied: PS3, PS4, PM1, PM5, PP4

Revvity Omics, Revvity
Classification: Likely pathogenic for Thrombocythemia 3. Last evaluated: 2022-10-03. Review status: criteria provided, single submitter. Criteria: ACMG Guidelines, 2015. Collection method: clinical testing. Allele origin: germline.

Provincial Medical Genetics Program of British Columbia, University of British Columbia
Classification: Pathogenic for Acquired polycythemia vera. Last evaluated: 2022-01-01. Review status: criteria provided, single submitter. Criteria: ACMG Guidelines, 2015. Collection method: clinical testing. Allele origin: somatic. Affected: yes.

Baylor Genetics
Classification: Pathogenic for Primary myelofibrosis. Last evaluated: 2021-08-30. Review status: criteria provided, single submitter. Criteria: ACMG Guidelines, 2015. Collection method: clinical testing. Allele origin: unknown.

AURAGEN, Plan France Médecine Génomique
Classification: Pathogenic for Erythrocyte disorder. Last evaluated: 2021-03-18. Review status: criteria provided, single submitter. Criteria: PFMG2025 (Lancet Reg Health Eur. 2025). Collection method: clinical testing. Allele origin: germline. Affected: yes.

Fulgent Genetics
Classification: Pathogenic for Primary familial polycythemia due to EPO receptor mutation; Primary myelofibrosis; Acquired polycythemia vera; Budd-Chiari syndrome; Acute myeloid leukemia; Thrombocythemia 3. Last evaluated: 2018-10-31. Review status: criteria provided, single submitter. Criteria: ACMG Guidelines, 2015. Collection method: clinical testing. Allele origin: unknown.

Human Genome Sequencing Center Clinical Lab, Baylor College of Medicine
Classification: Pathogenic for Acquired polycythemia vera. Last evaluated: 2018-02-08. Review status: criteria provided, single submitter. Criteria: ACMG Guidelines, 2015. Collection method: clinical testing. Allele origin: germline.
Comment: The c.1849G>T (p.V617F) variant in the JAK2 gene is commonly reported as a somatic change in myeloproliferative neoplasms (MPNs) including polycythemia vera, essential thrombocythemia, primary myelofibrosis [PMID: 15781101, 15858187, 15837627, 19074595]. Recently, this variant has also been described as one of the most common drivers of age-related clonal hematopoiesis [PMID: 27563148]. The c.1849G>T (p.V617F) variant in the JAK2 gene is classified as a pathogenic somatic variant.

Juno Genomics, Hangzhou Juno Genomics, Inc
Classification: Pathogenic for Thrombocythemia 3; Acute myeloid leukemia; Primary familial polycythemia due to EPO receptor mutation; Budd-Chiari syndrome; Primary myelofibrosis; Acquired polycythemia vera. Review status: criteria provided, single submitter. Criteria: ACMG Guidelines, 2015. Collection method: clinical testing. Allele origin: germline. Affected: yes.
Comment: Absent from controls (or at extremely low frequency if recessive) in Genome Aggregation Database.;Well-established in vitro or in vivo functional studies supportive of a damaging effect on the gene or gene product.;The prevalence of the variant in affected individuals is significantly increased compared to the prevalence in controls.;Assumed de novo, but without confirmation of paternity and maternity.

PreventionGenetics, part of Exact Sciences
Classification: Pathogenic for JAK2-related condition. Last evaluated: 2024-04-30. Review status: no assertion criteria provided. Collection method: clinical testing. Allele origin: germline. Not counted in ClinVar's aggregate classification.
Comment: The JAK2 c.1849G>T variant is predicted to result in the amino acid substitution p.Val617Phe. This variant has been reported to be present in almost all patients with polycythemia vera and more than half of those with essential thrombocytosis and primary myelofibrosis (Vassiliou 2016. PubMed ID: 27563148). Somatic c.1849G>T variants have been reported in myeloproliferative neoplasms (Ortmann et al. 2015. PubMed ID: 25671252; Rumi et al. 2014. PubMed ID: 24986690). This variant is reported in 0.058% of alleles in individuals of Ashkenazi Jewish descent in gnomAD. This variant is interpreted as pathogenic.

OMIM
Classification: Pathogenic for POLYCYTHEMIA VERA, SOMATIC. Last evaluated: 2014-08-07. Review status: no assertion criteria provided. Collection method: literature only. Allele origin: somatic. Not counted in ClinVar's aggregate classification.

OMIM
Classification: Pathogenic for MYELOFIBROSIS, SOMATIC. Last evaluated: 2014-08-07. Review status: no assertion criteria provided. Collection method: literature only. Allele origin: somatic. Not counted in ClinVar's aggregate classification.

OMIM
Classification: Pathogenic for LEUKEMIA, ACUTE MYELOGENOUS, SOMATIC. Last evaluated: 2014-08-07. Review status: no assertion criteria provided. Collection method: literature only. Allele origin: somatic. Not counted in ClinVar's aggregate classification.

OMIM
Classification: risk factor for BUDD-CHIARI SYNDROME, SUSCEPTIBILITY TO, SOMATIC. Last evaluated: 2014-08-07. Review status: no assertion criteria provided. Collection method: literature only. Allele origin: somatic. Not counted in ClinVar's aggregate classification.

OMIM
Classification: Pathogenic for THROMBOCYTHEMIA 3, SOMATIC. Last evaluated: 2014-08-07. Review status: no assertion criteria provided. Collection method: literature only. Allele origin: somatic. Not counted in ClinVar's aggregate classification.

OMIM
Classification: Affects for ERYTHROCYTOSIS, SOMATIC. Last evaluated: 2014-08-07. Review status: no assertion criteria provided. Collection method: literature only. Allele origin: somatic. Not counted in ClinVar's aggregate classification.

Joint Genome Diagnostic Labs from Nijmegen and Maastricht, Radboudumc and MUMC+
Classification: Pathogenic. Review status: no assertion criteria provided. Collection method: clinical testing. Allele origin: germline. Affected: yes. Study: VKGL Data-share Consensus. Not counted in ClinVar's aggregate classification.

Laboratory of Diagnostic Genome Analysis, Leiden University Medical Center (LUMC)
Classification: Pathogenic. Review status: no assertion criteria provided. Collection method: clinical testing. Allele origin: germline. Affected: yes. Study: VKGL Data-share Consensus. Not counted in ClinVar's aggregate classification.

Molecular Diagnostics Laboratory, University of Rochester Medical Center
Classification: Pathogenic for Polycythemia vera. Review status: no assertion criteria provided. Collection method: provider interpretation. Allele origin: somatic. Affected: yes. Not counted in ClinVar's aggregate classification.

NIHR Bioresource Rare Diseases, University of Cambridge
Classification: Likely pathogenic for Splenomegaly; Myelofibrosis. Review status: no assertion criteria provided. Collection method: research. Allele origin: unknown. Affected: yes. Observed: 1 variant allele. Not counted in ClinVar's aggregate classification.

NIHR Bioresource Rare Diseases, University of Cambridge
Classification: Pathogenic for Polycythemia. Review status: no assertion criteria provided. Collection method: research. Allele origin: unknown. Affected: yes. Observed: 2 variant alleles. Not counted in ClinVar's aggregate classification.

NIHR Bioresource Rare Diseases, University of Cambridge
Classification: Pathogenic for Myeloproliferative disorder. Review status: no assertion criteria provided. Collection method: research. Allele origin: unknown. Affected: yes. Observed: 2 variant alleles. Not counted in ClinVar's aggregate classification.

Literature cited by the submitters: PubMed 15793561 (cited by 3 submitters); PubMed 15858187 (cited by 4 submitters); PubMed 15837627 (cited by Center for Virology of Infectious and Tropical Diseases (CVMIT), Mohammed V Military Teaching Hospital and Molecular Diagnostics Laboratory, University of Rochester Medical Center); PubMed 15781101 (cited by 4 submitters); PubMed 16247455 (cited by Center for Virology of Infectious and Tropical Diseases (CVMIT), Mohammed V Military Teaching Hospital and OMIM); PubMed 15920007 (cited by Labcorp Genetics (formerly Invitae), Labcorp); PubMed 16603627 (cited by Labcorp Genetics (formerly Invitae), Labcorp and OMIM); PubMed 23535062 (cited by Labcorp Genetics (formerly Invitae), Labcorp); PubMed 22397670 (cited by Labcorp Genetics (formerly Invitae), Labcorp and 3billion); PubMed 24404189 (cited by 3billion); PubMed 22571758 (cited by 3billion); PubMed 22422826 (cited by 3billion); PubMed 22818858 (cited by 3billion); PubMed 16325696 (cited by OMIM); PubMed 18256599 (cited by OMIM); PubMed 20703299 (cited by OMIM); PubMed 25043017 (cited by OMIM); PubMed 25671252 (cited by OMIM); PubMed 17989398 (cited by OMIM); PubMed 19036091 (cited by OMIM); PubMed 16707754 (cited by OMIM); PubMed 16762626 (cited by OMIM); PubMed 19293426 (cited by OMIM); PubMed 19074595 (cited by Molecular Diagnostics Laboratory, University of Rochester Medical Center); PubMed 32581362 (cited by NIHR Bioresource Rare Diseases, University of Cambridge).